The following is an entry in ClinVar:

ClinVar aggregate classification (germline): Likely benign. Review status: criteria provided, multiple submitters, no conflicts (2 of 4 stars). 4 submissions from 4 submitters: Likely benign (4). Last evaluated 2025-10-15.

Conditions:
Catecholaminergic polymorphic ventricular tachycardia (CVPT). Also called: Catecholamine-induced polymorphic ventricular tachycardia. Identifiers: Orphanet 3286, MedGen C5574922, MONDO:0017990.
Cardiovascular phenotype. Identifiers: MedGen CN230736.
Cardiomyopathy (CMYO). Also called: Cardiomyopathies. Identifiers: Orphanet 167848, MedGen C0878544, MONDO:0004994, HP:0001638. Inheritance: Various modes of inheritance.
Catecholaminergic polymorphic ventricular tachycardia 1. Also called: VENTRICULAR TACHYCARDIA, CATECHOLAMINERGIC POLYMORPHIC, 1, WITH OR WITHOUT ATRIAL DYSFUNCTION AND/OR DILATED CARDIOMYOPATHY; RYR2-Related Catecholaminergic Polymorphic Ventricular Tachycardia; VENTRICULAR TACHYCARDIA, STRESS-INDUCED POLYMORPHIC 1. Identifiers: Orphanet 3286, MedGen C1631597, MONDO:0011484, OMIM 604772.

Allele frequency attached by ClinVar (database versions not stated): gnomAD exomes below 0.00001 and 0.00001; ExAC 0.00001; TOPMed 0.00002; gnomAD 0.00004; ESP Exome Variant Server 0.00008.
gnomAD v4.1: 17 of 1,613,914 alleles (0.0011%); highest among the groups gnomAD compares: East Asian, 0.0045%; no homozygotes.

Submissions (4):

Labcorp Genetics (formerly Invitae), Labcorp
Classification: Likely benign for Catecholaminergic polymorphic ventricular tachycardia 1. Last evaluated: 2025-10-15. Review status: criteria provided, single submitter. Criteria: Invitae Variant Classification Sherloc (09022015). Collection method: clinical testing. Allele origin: germline.

All of Us Research Program, National Institutes of Health
Classification: Likely benign for Catecholaminergic polymorphic ventricular tachycardia. Last evaluated: 2023-09-17. Review status: criteria provided, single submitter. Criteria: ACMG Guidelines, 2015. Collection method: clinical testing. Allele origin: germline. Inheritance: Autosomal dominant inheritance. Observed: 5 variant alleles, 5 heterozygotes.
Comment: This study involves interpretation of variants in research participants for the purpose of population health screening. Participant phenotype was not available at the time of variant classification. Additional details can be found in publication PMID: 35346344, PMCID: PMC8962531

Ambry Genetics
Classification: Likely benign for Cardiovascular phenotype. Last evaluated: 2019-06-22. Review status: criteria provided, single submitter. Criteria: Ambry Variant Classification Scheme 2023. Collection method: clinical testing. Allele origin: germline.

Color Diagnostics, LLC DBA Color Health
Classification: Likely benign for Cardiomyopathy. Last evaluated: 2019-02-08. Review status: criteria provided, single submitter. Criteria: ACMG Guidelines, 2015. Collection method: clinical testing. Allele origin: germline.

NM_001035.3(RYR2):c.5238C>T (p.His1746=)

Gene: RYR2 (ryanodine receptor 2; plus strand). Cytogenetic location: 1q43.
Variant type: single nucleotide variant.
Coding change: c.5238C>T on transcript NM_001035.3 (MANE Select); coding-DNA position 5238, C replaced by T.
Protein change: p.His1746=; no amino-acid change (histidine 1746 retained).
Molecular consequence: synonymous variant.
Genome position (GRCh38, 1-based): chr1:237,614,366, C>T. VCF-style: chr1-237614366-C-T. GRCh37 (hg19) VCF-style: chr1-237777666-C-T.
Other names: c.5238C>T (NM_001035.2).
Identifiers: ClinVar variation 919618 (VCV000919618.15), dbSNP rs371966699, ClinGen allele CA086854.
Genomic context (GRCh38, chr1:237,614,366, plus strand): 5'-TGTCCCCATGACGGAGGAGACGAAGAGCATCACCCTGTTCCCTGATGAGAACAAAAAACA[C>T]GGCCTTCCAGGGATCGGCCTCAGCACCTCCCTCAGGCCACGGATGCAGTTTTCCTCCCCC-3'
Protein context (NP_001026.2, residues 1736-1756): ITLFPDENKK[His1746=]GLPGIGLSTS